The following is an entry in ClinVar:

NM_000642.3(AGL):c.3259+288G>A

Gene: AGL (amylo-alpha-1,6-glucosidase and 4-alpha-glucanotransferase; plus strand). Cytogenetic location: 1p21.2.
Variant type: single nucleotide variant.
Coding change: c.3259+288G>A on transcript NM_000642.3 (MANE Select); 288 bases into the intron after coding-DNA position 3259, G replaced by A.
Molecular consequence: intron variant.
Genome position (GRCh38, 1-based): chr1:99,892,895, G>A. VCF-style: chr1-99892895-G-A. GRCh37 (hg19) VCF-style: chr1-100358451-G-A.
Other names: c.3259+288G>A (NM_000643.3, NM_000644.3, NM_001425325.1 and 1 more transcripts); c.3211+288G>A (NM_000646.3); c.3238+288G>A (NM_001425326.1); c.3058+288G>A (NM_001425327.1); c.3055+288G>A (NM_001425328.1); c.2920+288G>A (NM_001425329.1); c.2881+288G>A (NM_001425332.1).
Identifiers: ClinVar variation 682727 (VCV000682727.1), dbSNP rs515957, ClinGen allele CA27528343.

ClinVar aggregate classification (germline): Benign (1 of 4 stars; one submission).

Allele frequency attached by ClinVar (database versions not stated): TOPMed 0.67289; gnomAD 0.67524 and 0.67766; 1000 Genomes Project 30x 0.68723; 1000 Genomes Project 0.69529.
gnomAD v4.1: 102,811 of 151,670 alleles (68%); highest among the groups gnomAD compares: South Asian, 75%; 34,928 homozygotes.

Submission:

GeneDx
Classification: Benign. Last evaluated: 2018-06-14. Review status: criteria provided, single submitter. Criteria: GeneDx Variant Classification (06012015). Collection method: clinical testing. Allele origin: germline. Affected: yes.
Comment: This variant is considered likely benign or benign based on one or more of the following criteria: it is a conservative change, it occurs at a poorly conserved position in the protein, it is predicted to be benign by multiple in silico algorithms, and/or has population frequency not consistent with disease.